The following is an entry in ClinVar:

NM_000161.3(GCH1):c.462T>G (p.Ile154Met)

Gene: GCH1 (GTP cyclohydrolase 1; minus strand). Cytogenetic location: 14q22.2.
Variant type: single nucleotide variant.
Coding change: c.462T>G on transcript NM_000161.3 (MANE Select); coding-DNA position 462, T replaced by G.
Protein change: p.Ile154Met; replaces isoleucine 154 with methionine.
Molecular consequence: missense variant.
Genome position (GRCh38, 1-based): chr14:54,859,728, A>C on the plus strand (T>G on the coding strand, the complement: GCH1 is on the minus strand). VCF-style: chr14-54859728-A-C. GRCh37 (hg19) VCF-style: chr14-55326446-A-C.
Other names: c.462T>G, p.Ile154Met (NM_001024024.2, NM_001024070.2, NM_001024071.2); short protein forms I154M.
Identifiers: ClinVar variation 572454 (VCV000572454.8), dbSNP rs1566665914, ClinGen allele CA389788498.

ClinVar aggregate classification (germline): Uncertain significance (1 of 4 stars; one submission).

Conditions:
Dystonia 5 (DRD). Also called: Dystonia, DOPA-responsive, with or without hyperphenylalaninemia; GTP Cyclohydrolase 1-Deficient Dopa-Responsive Dystonia; DYSTONIA, PROGRESSIVE, WITH DIURNAL VARIATION; DYSTONIA-PARKINSONISM WITH DIURNAL FLUCTUATION; DYT-GCH1. Identifiers: Orphanet 98808, MedGen C1851920, MONDO:0007495, OMIM 128230.
GTP cyclohydrolase I deficiency. Identifiers: MedGen C0268467, MONDO:0100184.

Submission:

Labcorp Genetics (formerly Invitae), Labcorp
Classification: Uncertain significance for GTP cyclohydrolase I deficiency; Dystonia 5. Last evaluated: 2024-04-18. Review status: criteria provided, single submitter. Criteria: Invitae Variant Classification Sherloc (09022015). Collection method: clinical testing. Allele origin: germline.
Comment: This sequence change replaces isoleucine, which is neutral and non-polar, with methionine, which is neutral and non-polar, at codon 154 of the GCH1 protein (p.Ile154Met). This variant is not present in population databases (gnomAD no frequency). This variant has not been reported in the literature in individuals affected with GCH1-related conditions. ClinVar contains an entry for this variant (Variation ID: 572454). Advanced modeling of protein sequence and biophysical properties (such as structural, functional, and spatial information, amino acid conservation, physicochemical variation, residue mobility, and thermodynamic stability) performed at Invitae indicates that this missense variant is expected to disrupt GCH1 protein function with a positive predictive value of 80%. In summary, the available evidence is currently insufficient to determine the role of this variant in disease. Therefore, it has been classified as a Variant of Uncertain Significance.